The following is an entry in ClinVar:

ClinVar aggregate classification (germline): Likely benign (0 of 4 stars; one submission).

Conditions:
DCC-related disorder. Also called: DCC-related condition.

Allele frequency attached by ClinVar (database versions not stated): gnomAD 0.00003; ExAC 0.00007.
gnomAD v4.1: 75 of 1,614,076 alleles (0.0046%); highest among the groups gnomAD compares: Non-Finnish European, 0.0042%; no homozygotes.

Submission:

PreventionGenetics, part of Exact Sciences
Classification: Likely benign for DCC-related condition. Last evaluated: 2019-08-05. Review status: no assertion criteria provided. Collection method: clinical testing. Allele origin: germline.
Comment: This variant is classified as likely benign based on ACMG/AMP sequence variant interpretation guidelines (Richards et al. 2015 PMID: 25741868, with internal and published modifications).

NM_005215.4(DCC):c.384T>A (p.Ile128=)

Gene: DCC (DCC netrin 1 receptor; plus strand). Cytogenetic location: 18q21.2.
Variant type: single nucleotide variant.
Coding change: c.384T>A on transcript NM_005215.4 (MANE Select); coding-DNA position 384, T replaced by A.
Protein change: p.Ile128=; no amino-acid change (isoleucine 128 retained).
Molecular consequence: synonymous variant.
Genome position (GRCh38, 1-based): chr18:52,752,346, T>A. VCF-style: chr18-52752346-T-A. GRCh37 (hg19) VCF-style: chr18-50278716-T-A.
Identifiers: ClinVar variation 3035293 (VCV003035293.2), dbSNP rs755204572, ClinGen allele CA8966514.